The following is an entry in ClinVar:

NM_033343.4(LHX4):c.1025C>T (p.Ala342Val)

Genes: ACBD6 (acyl-CoA binding domain containing 6; minus strand), LHX4 (LIM homeobox 4; plus strand), LHX4-AS1 (LHX4 antisense RNA 1; minus strand). Cytogenetic location: 1q25.2.
Variant type: single nucleotide variant.
Coding change: c.1025C>T on transcript NM_033343.4 (MANE Select); coding-DNA position 1025, C replaced by T.
Protein change: p.Ala342Val; replaces alanine 342 with valine.
Molecular consequence: missense variant.
Genome position (GRCh38, 1-based): chr1:180,274,431, C>T. VCF-style: chr1-180274431-C-T. GRCh37 (hg19) VCF-style: chr1-180243566-C-T.
Other names: short protein forms A342V.
Identifiers: ClinVar variation 4736843 (VCV004736843.1).

ClinVar aggregate classification (germline): Uncertain significance (1 of 4 stars; one submission).

gnomAD v4.1: 57 of 1,614,062 alleles (0.0035%); highest among the groups gnomAD compares: Admixed American, 0.042%; no homozygotes.

Submission:

Labcorp Genetics (formerly Invitae), Labcorp
Classification: Uncertain significance. Last evaluated: 2025-03-06. Review status: criteria provided, single submitter. Criteria: Invitae Variant Classification Sherloc (09022015). Collection method: clinical testing. Allele origin: germline.
Comment: This sequence change replaces alanine, which is neutral and non-polar, with valine, which is neutral and non-polar, at codon 342 of the LHX4 protein (p.Ala342Val). This variant is present in population databases (rs774156277, gnomAD 0.05%), and has an allele count higher than expected for a pathogenic variant. This variant has not been reported in the literature in individuals affected with LHX4-related conditions. An algorithm developed to predict the effect of missense changes on protein structure and function (PolyPhen-2) suggests that this variant is likely to be tolerated. In summary, the available evidence is currently insufficient to determine the role of this variant in disease. Therefore, it has been classified as a Variant of Uncertain Significance.